The following is an entry in ClinVar:

NM_000052.7(ATP7A):c.148A>T (p.Ile50Phe)

Gene: ATP7A (ATPase copper transporting alpha; plus strand). Cytogenetic location: Xq21.1.
Variant type: single nucleotide variant.
Coding change: c.148A>T on transcript NM_000052.7 (MANE Select); coding-DNA position 148, A replaced by T.
Protein change: p.Ile50Phe; replaces isoleucine 50 with phenylalanine.
Molecular consequence: missense variant.
Genome position (GRCh38, 1-based): chrX:77,988,269, A>T. VCF-style: chrX-77988269-A-T. GRCh37 (hg19) VCF-style: chrX-77243765-A-T.
Other names: c.148A>T, p.Ile50Phe (NM_001282224.2); short protein forms I50F.
Identifiers: ClinVar variation 4078085 (VCV004078085.2).

ClinVar aggregate classification (germline): Uncertain significance. Review status: criteria provided, multiple submitters, no conflicts (2 of 4 stars). 2 submissions from 2 submitters: Uncertain significance (2). Last evaluated 2025-10-13.

Conditions:
X-linked distal spinal muscular atrophy type 3. Also called: ATP7A-Related Distal Motor Neuropathy; SPINAL MUSCULAR ATROPHY, DISTAL, X-LINKED RECESSIVE; NEURONOPATHY, DISTAL HEREDITARY MOTOR, X-LINKED; NEUROPATHY, DISTAL HEREDITARY MOTOR, X-LINKED. Identifiers: Orphanet 139557, MedGen C1845359, MONDO:0010338, OMIM 300489.
Menkes kinky-hair syndrome (MNK). Also called: Copper transport disease; Menkes Disease; Classic Menkes Disease. Identifiers: Orphanet 565, MedGen C0022716, MONDO:0010651, OMIM 309400.
Cutis laxa, X-linked (OHS). Also called: EDS IX; Occipital horn syndrome. Identifiers: Orphanet 198, MedGen C0268353, MONDO:0010572, OMIM 304150.

Submissions (2):

Labcorp Genetics (formerly Invitae), Labcorp
Classification: Uncertain significance for X-linked distal spinal muscular atrophy type 3; Cutis laxa, X-linked; Menkes kinky-hair syndrome. Last evaluated: 2025-10-13. Review status: criteria provided, single submitter. Criteria: Invitae Variant Classification Sherloc (09022015). Collection method: clinical testing. Allele origin: germline.
Comment: This sequence change replaces isoleucine, which is neutral and non-polar, with phenylalanine, which is neutral and non-polar, at codon 50 of the ATP7A protein (p.Ile50Phe). This variant is not present in population databases (gnomAD no frequency). This variant has not been reported in the literature in individuals affected with ATP7A-related conditions. ClinVar contains an entry for this variant (Variation ID: 4078085). Invitae Evidence Modeling of protein sequence and biophysical properties (such as structural, functional, and spatial information, amino acid conservation, physicochemical variation, residue mobility, and thermodynamic stability) indicates that this missense variant is not expected to disrupt ATP7A protein function with a negative predictive value of 95%. In summary, the available evidence is currently insufficient to determine the role of this variant in disease. Therefore, it has been classified as a Variant of Uncertain Significance.

Revvity Omics, Revvity
Classification: Uncertain significance. Last evaluated: 2025-02-27. Review status: criteria provided, single submitter. Criteria: ACMG Guidelines, 2015. Collection method: clinical testing. Allele origin: germline.